The following is an entry in ClinVar:

ClinVar aggregate classification (germline): Uncertain significance (1 of 4 stars; one submission).

Conditions:
Immunodeficiency 28 (IMD28). Also called: IFNGR2 DEFICIENCY. Identifiers: Orphanet 319547, Orphanet 319574, MedGen C4013947, MONDO:0013953, OMIM 614889.

Allele frequency attached by ClinVar (database versions not stated): gnomAD exomes 0.00002; ExAC 0.00003; gnomAD 0.00003; TOPMed 0.00003; ESP Exome Variant Server 0.00008; 1000 Genomes Project 0.00020; 1000 Genomes Project 30x 0.00031.
gnomAD v4.1: 42 of 1,613,936 alleles (0.0026%); highest among the groups gnomAD compares: Non-Finnish European, 0.0032%; no homozygotes.

Submission:

Labcorp Genetics (formerly Invitae), Labcorp
Classification: Uncertain significance for Immunodeficiency 28. Last evaluated: 2022-09-27. Review status: criteria provided, single submitter. Criteria: Invitae Variant Classification Sherloc (09022015). Collection method: clinical testing. Allele origin: germline.
Comment: This sequence change replaces proline, which is neutral and non-polar, with leucine, which is neutral and non-polar, at codon 326 of the IFNGR2 protein (p.Pro326Leu). This variant is present in population databases (rs202237583, gnomAD 0.01%). This variant has not been reported in the literature in individuals affected with IFNGR2-related conditions. ClinVar contains an entry for this variant (Variation ID: 960830). Algorithms developed to predict the effect of missense changes on protein structure and function are either unavailable or do not agree on the potential impact of this missense change (SIFT: "Deleterious"; PolyPhen-2: "Possibly Damaging"; Align-GVGD: "Class C0"). In summary, the available evidence is currently insufficient to determine the role of this variant in disease. Therefore, it has been classified as a Variant of Uncertain Significance.

NM_005534.4(IFNGR2):c.977C>T (p.Pro326Leu)

Genes: TMEM50B (transmembrane protein 50B; minus strand), IFNGR2 (interferon gamma receptor 2; plus strand). Cytogenetic location: 21q22.11.
Variant type: single nucleotide variant.
Coding change: c.977C>T on transcript NM_005534.4 (MANE Select); coding-DNA position 977, C replaced by T.
Protein change: p.Pro326Leu; replaces proline 326 with leucine.
Molecular consequence: missense variant.
Genome position (GRCh38, 1-based): chr21:33,436,925, C>T. VCF-style: chr21-33436925-C-T. GRCh37 (hg19) VCF-style: chr21-34809232-C-T.
Other names: c.1034C>T, p.Pro345Leu (NM_001329128.2); short protein forms P326L, P345L.
Identifiers: ClinVar variation 960830 (VCV000960830.7), dbSNP rs202237583, ClinGen allele CA10007087.